The following is an entry in ClinVar:

ClinVar aggregate classification (germline): Likely benign. Review status: criteria provided, multiple submitters, no conflicts (2 of 4 stars). 4 submissions from 4 submitters: Likely benign (4). Last evaluated 2026-01-12.

Conditions:
Cortical dysplasia-focal epilepsy syndrome (PTHSL1). Also called: Pitt-Hopkins-like syndrome 1. Identifiers: Orphanet 163681, Orphanet 221150, MedGen C2750246, MONDO:0012400, OMIM 610042.

Allele frequency attached by ClinVar (database versions not stated): gnomAD exomes 0.00001; gnomAD 0.00002; ExAC 0.00003; TOPMed 0.00003.
gnomAD v4.1: 19 of 1,613,946 alleles (0.0012%); highest among the groups gnomAD compares: Non-Finnish European, 0.0015%; no homozygotes.

Submissions (4):

Labcorp Genetics (formerly Invitae), Labcorp
Classification: Likely benign for Cortical dysplasia-focal epilepsy syndrome. Last evaluated: 2026-01-12. Review status: criteria provided, single submitter. Criteria: Invitae Variant Classification Sherloc (09022015). Collection method: clinical testing. Allele origin: germline.

ARUP Laboratories, Molecular Genetics and Genomics, ARUP Laboratories
Classification: Likely benign. Last evaluated: 2025-02-20. Review status: criteria provided, single submitter. Criteria: ARUP Molecular Germline Variant Investigation Process 2024. Collection method: clinical testing. Allele origin: germline.

Blueprint Genetics
Classification: Likely benign. Last evaluated: 2024-01-12. Review status: criteria provided, single submitter. Criteria: ACMG Guidelines, 2015. Collection method: clinical testing. Allele origin: germline.

GeneDx
Classification: Likely benign. Last evaluated: 2017-06-28. Review status: criteria provided, single submitter. Criteria: GeneDx Variant Classification (06012015). Collection method: clinical testing. Allele origin: germline. Affected: yes.
Comment: This variant is considered likely benign or benign based on one or more of the following criteria: it is a conservative change, it occurs at a poorly conserved position in the protein, it is predicted to be benign by multiple in silico algorithms, and/or has population frequency not consistent with disease.

NM_014141.6(CNTNAP2):c.1068A>G (p.Leu356=)

Gene: CNTNAP2 (contactin associated protein 2; plus strand). Cytogenetic location: 7q35.
Variant type: single nucleotide variant.
Coding change: c.1068A>G on transcript NM_014141.6 (MANE Select); coding-DNA position 1068, A replaced by G.
Protein change: p.Leu356=; no amino-acid change (leucine 356 retained).
Molecular consequence: synonymous variant.
Genome position (GRCh38, 1-based): chr7:147,128,821, A>G. VCF-style: chr7-147128821-A-G. GRCh37 (hg19) VCF-style: chr7-146825913-A-G.
Identifiers: ClinVar variation 377706 (VCV000377706.11), dbSNP rs773110260, ClinGen allele CA4545956.